The following is an entry in ClinVar:

NM_002184.4(IL6ST):c.1187A>C (p.Tyr396Ser)

Gene: IL6ST (interleukin 6 cytokine family signal transducer; minus strand). Cytogenetic location: 5q11.2.
Variant type: single nucleotide variant.
Coding change: c.1187A>C on transcript NM_002184.4 (MANE Select); coding-DNA position 1187, A replaced by C.
Protein change: p.Tyr396Ser; replaces tyrosine 396 with serine.
Molecular consequence: missense variant. On other transcripts: 3 prime UTR variant (1), non-coding transcript variant (2).
Genome position (GRCh38, 1-based): chr5:55,956,105, T>G on the plus strand (A>C on the coding strand, the complement: IL6ST is on the minus strand). VCF-style: chr5-55956105-T-G. GRCh37 (hg19) VCF-style: chr5-55251933-T-G.
Other names: c.1187A>C, p.Tyr396Ser (NM_001190981.2, NM_001364275.2); c.977A>C, p.Tyr326Ser (NM_001364276.2); c.320A>C, p.Tyr107Ser (NM_001364277.2); c.284A>C, p.Tyr95Ser (NM_001364278.2); c.191A>C, p.Tyr64Ser (NM_001364279.2); c.*114A>C (NM_175767.3); short protein forms Y107S, Y326S, Y396S, Y64S, Y95S.
Identifiers: ClinVar variation 1020418 (VCV001020418.8), dbSNP rs771778211, ClinGen allele CA3271479.

ClinVar aggregate classification (germline): Uncertain significance (1 of 4 stars; one submission).

Allele frequency attached by ClinVar (database versions not stated): ExAC 0.00001; gnomAD exomes 0.00002.
gnomAD v4.1: 5 of 1,613,196 alleles (0.00031%); highest among the groups gnomAD compares: Admixed American, 0.0067%; no homozygotes.

Submission:

Labcorp Genetics (formerly Invitae), Labcorp
Classification: Uncertain significance. Last evaluated: 2022-07-06. Review status: criteria provided, single submitter. Criteria: Invitae Variant Classification Sherloc (09022015). Collection method: clinical testing. Allele origin: germline.
Comment: This sequence change replaces tyrosine, which is neutral and polar, with serine, which is neutral and polar, at codon 396 of the IL6ST protein (p.Tyr396Ser). In summary, the available evidence is currently insufficient to determine the role of this variant in disease. Therefore, it has been classified as a Variant of Uncertain Significance. Algorithms developed to predict the effect of missense changes on protein structure and function (SIFT, PolyPhen-2, Align-GVGD) all suggest that this variant is likely to be tolerated. ClinVar contains an entry for this variant (Variation ID: 1020418). This variant has not been reported in the literature in individuals affected with IL6ST-related conditions. This variant is present in population databases (rs771778211, gnomAD 0.01%).